The following is an entry in ClinVar:

NM_152703.5(SAMD9L):c.2206A>G (p.Ile736Val)

Gene: SAMD9L (sterile alpha motif domain containing 9 like; minus strand). Cytogenetic location: 7q21.2.
Variant type: single nucleotide variant.
Coding change: c.2206A>G on transcript NM_152703.5 (MANE Select); coding-DNA position 2206, A replaced by G.
Protein change: p.Ile736Val; replaces isoleucine 736 with valine.
Molecular consequence: missense variant.
Genome position (GRCh38, 1-based): chr7:93,133,766, T>C on the plus strand (A>G on the coding strand, the complement: SAMD9L is on the minus strand). VCF-style: chr7-93133766-T-C. GRCh37 (hg19) VCF-style: chr7-92763079-T-C.
Other names: c.2206A>G, p.Ile736Val (NM_001303500.3, NM_001350082.2, NM_001350083.2 and 5 more transcripts); c.2206A>G (NM_152703.2); short protein forms I736V.
Identifiers: ClinVar variation 3007708 (VCV003007708.4), dbSNP rs530649061, ClinGen allele CA4343620.

ClinVar aggregate classification (germline): Uncertain significance. Review status: criteria provided, multiple submitters, no conflicts (2 of 4 stars). 2 submissions from 2 submitters: Uncertain significance (2). Last evaluated 2025-10-03.

Conditions:
Inborn genetic diseases. Identifiers: MedGen C0950123, MeSH D030342.

Allele frequency attached by ClinVar (database versions not stated): 1000 Genomes Project 0.00020; 1000 Genomes Project 30x 0.00047; gnomAD exomes below 0.00001; ExAC 0.00001; gnomAD 0.00001.
gnomAD v4.1: 7 of 1,613,886 alleles (0.00043%); highest among the groups gnomAD compares: South Asian, 0.0066%; no homozygotes.

Submissions (2):

Ambry Genetics
Classification: Uncertain significance for Inborn genetic diseases. Last evaluated: 2025-10-03. Review status: criteria provided, single submitter. Criteria: Ambry Variant Classification Scheme 2023. Collection method: clinical testing. Allele origin: germline.
Comment: The p.I736V variant (also known as c.2206A>G), located in coding exon 1 of the SAMD9L gene, results from an A to G substitution at nucleotide position 2206. The isoleucine at codon 736 is replaced by valine, an amino acid with highly similar properties. This amino acid position is conserved. In addition, this alteration is predicted to be tolerated by in silico analysis. Based on the available evidence, the clinical significance of this variant remains unclear.

Labcorp Genetics (formerly Invitae), Labcorp
Classification: Uncertain significance. Last evaluated: 2024-05-10. Review status: criteria provided, single submitter. Criteria: Invitae Variant Classification Sherloc (09022015). Collection method: clinical testing. Allele origin: germline.
Comment: This sequence change replaces isoleucine, which is neutral and non-polar, with valine, which is neutral and non-polar, at codon 736 of the SAMD9L protein (p.Ile736Val). This variant is present in population databases (rs530649061, gnomAD 0.003%). This variant has not been reported in the literature in individuals affected with SAMD9L-related conditions. Advanced modeling of protein sequence and biophysical properties (such as structural, functional, and spatial information, amino acid conservation, physicochemical variation, residue mobility, and thermodynamic stability) performed at Invitae indicates that this missense variant is not expected to disrupt SAMD9L protein function with a negative predictive value of 80%. In summary, the available evidence is currently insufficient to determine the role of this variant in disease. Therefore, it has been classified as a Variant of Uncertain Significance.